The following is an entry in ClinVar:

ClinVar aggregate classification (germline): Uncertain significance. Review status: criteria provided, multiple submitters, no conflicts (2 of 4 stars). 3 submissions from 3 submitters: Uncertain significance (3). Last evaluated 2025-04-15.

Conditions:
CEP290-related disorder. Also called: CEP290-related disorders; CEP290-related condition. Identifiers: MedGen CN239314.
Joubert syndrome. Also called: JOUBERT-BOLTSHAUSER SYNDROME; Familial aplasia of the vermis. Identifiers: Orphanet 475, MedGen C5979921, MONDO:0018772.
Meckel-Gruber syndrome. Also called: DYSENCEPHALIA SPLANCHNOCYSTICA; GRUBER SYNDROME; Dysencephalia splachnocystica. Identifiers: Orphanet 564, MedGen C0265215, MONDO:0018921.
Nephronophthisis. Also called: Juvenile Nephronophthisis. Identifiers: Orphanet 655, MedGen C0687120, MONDO:0019005, HP:0000090.

Allele frequency attached by ClinVar (database versions not stated): gnomAD exomes below 0.00001 and 0.00001; ExAC 0.00001; TOPMed 0.00001.
gnomAD v4.1: 5 of 1,610,034 alleles (0.00031%); highest among the groups gnomAD compares: Admixed American, 0.0051%; no homozygotes.

Submissions (3):

PreventionGenetics, part of Exact Sciences
Classification: Uncertain significance for CEP290-related condition. Last evaluated: 2025-04-15. Review status: criteria provided, single submitter. Criteria: ACMG Guidelines, 2015. Collection method: clinical testing. Allele origin: germline.
Comment: The CEP290 c.3338A>C variant is predicted to result in the amino acid substitution p.Lys1113Thr. To our knowledge, this variant has not been reported in the literature. This variant is reported in 0.00090% of alleles in individuals of European (Non-Finnish) descent in gnomAD. At this time, the clinical significance of this variant is uncertain due to the absence of conclusive functional and genetic evidence.

Labcorp Genetics (formerly Invitae), Labcorp
Classification: Uncertain significance for Joubert syndrome; Meckel-Gruber syndrome; Nephronophthisis. Last evaluated: 2022-10-13. Review status: criteria provided, single submitter. Criteria: Invitae Variant Classification Sherloc (09022015). Collection method: clinical testing. Allele origin: germline.
Comment: This sequence change replaces lysine, which is basic and polar, with threonine, which is neutral and polar, at codon 1113 of the CEP290 protein (p.Lys1113Thr). This variant is present in population databases (rs780796789, gnomAD 0.0009%). This variant has not been reported in the literature in individuals affected with CEP290-related conditions. ClinVar contains an entry for this variant (Variation ID: 806919). Advanced modeling of protein sequence and biophysical properties (such as structural, functional, and spatial information, amino acid conservation, physicochemical variation, residue mobility, and thermodynamic stability) has been performed at Invitae for this missense variant, however the output from this modeling did not meet the statistical confidence thresholds required to predict the impact of this variant on CEP290 protein function. In summary, the available evidence is currently insufficient to determine the role of this variant in disease. Therefore, it has been classified as a Variant of Uncertain Significance.

CeGaT Center for Human Genetics Tuebingen
Classification: Uncertain significance. Last evaluated: 2016-10-01. Review status: criteria provided, single submitter. Criteria: CeGaT Center For Human Genetics Tuebingen Variant Classification Criteria Version 2. Collection method: clinical testing. Allele origin: germline. Affected: yes. Observed: 1 variant allele.

NM_025114.4(CEP290):c.3338A>C (p.Lys1113Thr)

Gene: CEP290 (centrosomal protein 290; minus strand). Cytogenetic location: 12q21.32.
Variant type: single nucleotide variant.
Coding change: c.3338A>C on transcript NM_025114.4 (MANE Select); coding-DNA position 3338, A replaced by C.
Protein change: p.Lys1113Thr; replaces lysine 1113 with threonine.
Molecular consequence: missense variant.
Genome position (GRCh38, 1-based): chr12:88,092,804, T>G on the plus strand (A>C on the coding strand, the complement: CEP290 is on the minus strand). VCF-style: chr12-88092804-T-G. GRCh37 (hg19) VCF-style: chr12-88486581-T-G.
Other names: c.3338A>C (NM_025114.3); short protein forms K1113T.
Identifiers: ClinVar variation 806919 (VCV000806919.45), dbSNP rs780796789, ClinGen allele CA6712158.